The following is an entry in ClinVar:

ClinVar aggregate classification (germline): Pathogenic (1 of 4 stars; one submission).

Conditions:
Leber congenital amaurosis 9 (LCA9). Also called: LCA9 Leber Congenital Amaurosis; LCA 9; Amaurosis congenita of Leber, type 9. Identifiers: Orphanet 65, MedGen C1837873, MONDO:0012056, OMIM 608553.

Submission:

Labcorp Genetics (formerly Invitae), Labcorp
Classification: Pathogenic for Leber congenital amaurosis 9. Last evaluated: 2024-01-18. Review status: criteria provided, single submitter. Criteria: Invitae Variant Classification Sherloc (09022015). Collection method: clinical testing. Allele origin: unknown.
Comment: This variant results in a copy number gain of the genomic region encompassing exon(s) 4-5 of the NMNAT1 gene. This region includes the termination codon of the gene. This copy number gain extends beyond the assayed region for this gene and therefore may encompass additional genes. As the precise location of this event is unknown, it may be in tandem or it may be located elsewhere in the genome. A similar copy number variant has been observed in individuals with clinical features of Leber congenital amaurosis (PMID: 32533184, 33668384; Invitae). Studies have shown that a similar copy number variant alters NMNAT1 gene expression (PMID: 32533184). Studies have shown that a similar copy number variant is associated with altered splicing resulting in multiple RNA products (PMID: 32533184). For these reasons, this variant has been classified as Pathogenic.

Literature cited by the submitters: PubMed 32533184; PubMed 33668384.

NC_000001.11:g.(?_9981031)_(9982701_?)dup

Gene: NMNAT1 (nicotinamide nucleotide adenylyltransferase 1; plus strand). Cytogenetic location: 1p36.22.
Variant type: Duplication.
Identifiers: ClinVar variation 3247741 (VCV003247741.1).